The following is an entry in ClinVar:

NM_000132.4(F8):c.508C>T (p.Pro170Ser)

Gene: F8 (coagulation factor VIII; minus strand). Cytogenetic location: Xq28.
Variant type: single nucleotide variant.
Coding change: c.508C>T on transcript NM_000132.4 (MANE Select); coding-DNA position 508, C replaced by T.
Protein change: p.Pro170Ser; replaces proline 170 with serine.
Molecular consequence: missense variant.
Genome position (GRCh38, 1-based): chrX:154,993,029, G>A on the plus strand (C>T on the coding strand, the complement: F8 is on the minus strand). VCF-style: chrX-154993029-G-A. GRCh37 (hg19) VCF-style: chrX-154221304-G-A.
Other names: short protein forms P170S.
Identifiers: ClinVar variation 2920835 (VCV002920835.2), dbSNP rs782458440, ClinGen allele CA10568581.

ClinVar aggregate classification (germline): Conflicting classifications of pathogenicity. Review status: criteria provided, conflicting classifications (1 of 4 stars). 2 submissions from 2 submitters: Pathogenic (1); Uncertain significance (1). Last evaluated 2026-03-30.

Allele frequency attached by ClinVar (database versions not stated): ExAC 0.00001; gnomAD exomes 0.00002.
gnomAD v4.1: 16 of 1,211,437 alleles (0.0013%); highest among the groups gnomAD compares: Non-Finnish European, 0.0018%; no homozygotes.

Submissions (2):

Women's Health and Genetics/Laboratory Corporation of America, LabCorp
Classification: Uncertain significance. Last evaluated: 2026-03-30. Review status: criteria provided, single submitter. Criteria: LabCorp Variant Classification Summary - May 2015. Collection method: clinical testing. Allele origin: germline.
Comment: Variant summary: F8 c.508C>T (p.Pro170Ser) results in a non-conservative amino acid change in the encoded protein sequence. Algorithms developed to predict the effect of missense changes on protein structure and function all suggest that this variant is likely to be disruptive. The variant allele was found at a frequency of 1.1e-05 in 183442 control chromosomes (gnomAD). The available data on variant occurrences in the general population are insufficient to allow any conclusion about variant significance. c.508C>T has been observed in individuals affected with Factor VIII Deficiency (Hemophilia A)(e.g. Green_2008, Miller_2012, Johnsen_2017). These data do not allow any conclusion about variant significance. To our knowledge, no experimental evidence demonstrating an impact on protein function has been reported. The following publications have been ascertained in the context of this evaluation (PMID: 18691168, 22103590, 29296726). ClinVar contains an entry for this variant (Variation ID: 2920835). Based on the evidence outlined above, the variant was classified as uncertain significance.

ARUP Laboratories, Molecular Genetics and Genomics, ARUP Laboratories
Classification: Pathogenic. Last evaluated: 2022-12-19. Review status: criteria provided, single submitter. Criteria: ARUP Molecular Germline Variant Investigation Process 2024. Collection method: clinical testing. Allele origin: germline.
Comment: The F8 c.508C>T; p.Pro170Ser variant (rs782458440), also known as Pro151Ser in legacy nomenclature, is reported in the literature in multiple individuals affected with mild hemophilia A (See link to F8 database and references therein). This variant is only observed on one allele in the Genome Aggregation Database, indicating it is not a common polymorphism. The proline at codon 170 is highly conserved, and computational analyses predict that this variant is deleterious (REVEL: 0.812). Based on available information, this variant is considered to be pathogenic. References: Link to Factor VIII database

Literature cited by the submitters: PubMed 18691168 (cited by Women's Health and Genetics/Laboratory Corporation of America, LabCorp); PubMed 22103590 (cited by Women's Health and Genetics/Laboratory Corporation of America, LabCorp); PubMed 29296726 (cited by Women's Health and Genetics/Laboratory Corporation of America, LabCorp).